The following is an entry in ClinVar:

ClinVar aggregate classification (germline): Uncertain significance (1 of 4 stars; one submission).

Conditions:
Distal myopathy with posterior leg and anterior hand involvement. Also called: WILLIAMS DISTAL MYOPATHY. Identifiers: Orphanet 63273, MedGen C3279722, MONDO:0013550, OMIM 614065.
Myofibrillar myopathy 5. Also called: Filaminopathy (type); FILAMINOPATHY, AUTOSOMAL DOMINANT. Identifiers: Orphanet 171445, MedGen C1836050, MONDO:0012289, OMIM 609524.
Hypertrophic cardiomyopathy 26. Also called: Cardiomyopathy, familial hypertrophic, 26. Identifiers: Orphanet 75249, MedGen C4310749, MONDO:0014883, OMIM 617047.

Submission:

Labcorp Genetics (formerly Invitae), Labcorp
Classification: Uncertain significance for Distal myopathy with posterior leg and anterior hand involvement; Myofibrillar myopathy 5; Hypertrophic cardiomyopathy 26. Last evaluated: 2017-07-16. Review status: criteria provided, single submitter. Criteria: Invitae Variant Classification Sherloc (09022015). Collection method: clinical testing. Allele origin: germline.
Comment: This variant is not present in population databases (ExAC no frequency). This variant has not been reported in the literature in individuals with FLNC-related disease. This sequence change replaces alanine with serine at codon 1630 of the FLNC protein (p.Ala1630Ser). The alanine residue is highly conserved and there is a moderate physicochemical difference between alanine and serine. Algorithms developed to predict the effect of missense changes on protein structure and function (SIFT, PolyPhen-2, Align-GVGD) all suggest that this variant is likely to be tolerated, but these predictions have not been confirmed by published functional studies and their clinical significance is uncertain. In summary, the available evidence is currently insufficient to determine the role of this variant in disease. Therefore, it has been classified as a Variant of Uncertain Significance.

NM_001458.5(FLNC):c.4888G>T (p.Ala1630Ser)

Gene: FLNC (filamin C; plus strand). Cytogenetic location: 7q32.1.
Variant type: single nucleotide variant.
Coding change: c.4888G>T on transcript NM_001458.5 (MANE Select); coding-DNA position 4888, G replaced by T.
Protein change: p.Ala1630Ser; replaces alanine 1630 with serine.
Molecular consequence: missense variant.
Genome position (GRCh38, 1-based): chr7:128,848,943, G>T. VCF-style: chr7-128848943-G-T. GRCh37 (hg19) VCF-style: chr7-128488997-G-T.
Other names: c.4888G>T, p.Ala1630Ser (NM_001127487.2); short protein forms A1630S.
Identifiers: ClinVar variation 472081 (VCV000472081.9), dbSNP rs1479430297, ClinGen allele CA369203506.